The following is an entry in ClinVar:

NM_000051.4(ATM):c.5189G>A (p.Arg1730Gln)

Gene: ATM (ATM serine/threonine kinase; plus strand). Cytogenetic location: 11q22.3.
Variant type: single nucleotide variant.
Coding change: c.5189G>A on transcript NM_000051.4 (MANE Select); coding-DNA position 5189, G replaced by A.
Protein change: p.Arg1730Gln; replaces arginine 1730 with glutamine.
Molecular consequence: missense variant.
Genome position (GRCh38, 1-based): chr11:108,301,659, G>A. VCF-style: chr11-108301659-G-A. GRCh37 (hg19) VCF-style: chr11-108172386-G-A.
Other names: p.R1730Q:CGA>CAA; c.5189G>A, p.Arg1730Gln (NM_001351834.2); short protein forms R1730Q.
Identifiers: ClinVar variation 127402 (VCV000127402.46), dbSNP rs373789346, ClinGen allele CA286879.
Genomic context (GRCh38, chr11:108,301,659, plus strand): 5'-AAGATTAATAACTGGTGTACTTGATAGGCATTTGAATTGTTTTTTTCAGTGTCAAAGTTC[G>A]ATCAGCAGCTGTTACCTGTTTGAAAAACATTTTAGCCACAAAGACTGGACATAGTTTCTG-3'
Protein context (NP_000042.3, residues 1720-1740): NTLVEDCVKV[Arg1730Gln]SAAVTCLKNI

ClinVar aggregate classification (germline): Uncertain significance. Review status: criteria provided, multiple submitters, no conflicts (2 of 4 stars). 16 submissions from 16 submitters: Uncertain significance (14). 2 of the submissions do not count toward it. Last evaluated 2026-01-28.

Conditions:
Hereditary cancer-predisposing syndrome. Also called: Hereditary neoplastic syndrome; Tumor predisposition; Neoplastic Syndromes, Hereditary; Hereditary Cancer Syndrome. Identifiers: Orphanet 140162, MedGen C0027672, MeSH D009386, MONDO:0015356.
Familial cancer of breast. Also called: hereditary breast carcinoma; Hereditary breast cancer; BREAST CANCER, FAMILIAL. Identifiers: Orphanet 227535, MedGen C0346153, MONDO:0016419, OMIM 114480. Disease mechanism: loss of function.
Ataxia-telangiectasia syndrome (AT). Also called: LOUIS-BAR SYNDROME; ATAXIA-TELANGIECTASIA, COMPLEMENTATION GROUP A; ATAXIA-TELANGIECTASIA, FRESNO VARIANT; Ataxia-telangiectasia; Ataxia telangiectasia (A-T); Ataxia-telangiectasia, complementation group D. Identifiers: Orphanet 100, MedGen C0004135, MONDO:0008840, OMIM 208900.

Allele frequency attached by ClinVar (database versions not stated): gnomAD exomes 0.00002; ExAC 0.00003; gnomAD 0.00003; TOPMed 0.00005; ESP Exome Variant Server 0.00008.
gnomAD v4.1: 68 of 1,613,370 alleles (0.0042%); highest among the groups gnomAD compares: East Asian, 0.011%; no homozygotes.

Submissions 1 to 11 of 16:

Labcorp Genetics (formerly Invitae), Labcorp
Classification: Uncertain significance for Ataxia-telangiectasia syndrome. Last evaluated: 2026-01-28. Review status: criteria provided, single submitter. Criteria: Invitae Variant Classification Sherloc (09022015). Collection method: clinical testing. Allele origin: germline.
Comment: This sequence change replaces arginine, which is basic and polar, with glutamine, which is neutral and polar, at codon 1730 of the ATM protein (p.Arg1730Gln). This variant is present in population databases (rs373789346, gnomAD 0.004%). This missense change has been observed in individual(s) with breast cancer and chronic lymphocytic leukemia (PMID: 28652578, 30287823, 35534704). ClinVar contains an entry for this variant (Variation ID: 127402). Invitae Evidence Modeling of protein sequence and biophysical properties (such as structural, functional, and spatial information, amino acid conservation, physicochemical variation, residue mobility, and thermodynamic stability) has been performed for this missense variant. However, the output from this modeling did not meet the statistical confidence thresholds required to predict the impact of this variant on ATM protein function. RNA analysis performed to evaluate the impact of this missense change on mRNA splicing indicates it does not significantly alter splicing (internal data). In summary, the available evidence is currently insufficient to determine the role of this variant in disease. Therefore, it has been classified as a Variant of Uncertain Significance.

Hereditary Cancer Laboratory, Hospital Universitario 12 de Octubre
Classification: Uncertain significance for Hereditary cancer-predisposing syndrome. Last evaluated: 2025-04-13. Review status: criteria provided, single submitter. Criteria: ACMG Guidelines, 2015. Collection method: clinical testing. Allele origin: germline.
Comment: PM2

Color Diagnostics, LLC DBA Color Health
Classification: Uncertain significance for Hereditary cancer-predisposing syndrome. Last evaluated: 2025-02-11. Review status: criteria provided, single submitter. Criteria: ACMG Guidelines, 2015. Collection method: clinical testing. Allele origin: germline.
Comment: This missense variant replaces arginine with glutamine at codon 1730 of the ATM protein. Computational prediction is inconclusive regarding the impact of this variant on protein structure and function. To our knowledge, functional studies have not been performed for this variant. This variant has been reported in several case-control studies. In a large international cohort, this variant was reported in 4/60466 breast cancer cases and 3/53461 controls (OR=1.179, 95%CI 0.264 to 5.268; PMID: 33471991). In a study conducted in Japan, this variant was identified in 4/7051 women affected with breast cancer and 1/11241 controls (OR=6.378, 95%CI 0.6 to 313.6; PMID: 30287823). In a case-control study of chronic lymphocytic leukemia, this variant was found in 1/644 cases and 4/8916 controls (PMID: 28652578). This variant has also been reported in an individual affected with ovarian and endometrial cancer (PMID: 30093976). This variant was identified in 5/282500 chromosomes in the general population by the Genome Aggregation Database (gnomAD). The available evidence is insufficient to determine the role of this variant in disease conclusively. Therefore, this variant is classified as a Variant of Uncertain Significance.

GeneDx
Classification: Uncertain significance. Last evaluated: 2024-10-31. Review status: criteria provided, single submitter. Criteria: GeneDx Variant Classification Process June 2021. Collection method: clinical testing. Allele origin: germline. Affected: yes.
Comment: Observed in individuals with breast, ovarian, or other cancers, but also in unaffected controls (PMID: 28652578, 30093976, 30287823, 32980694, 36243179); Not observed at significant frequency in large population cohorts (gnomAD); In silico analysis indicates that this missense variant does not alter protein structure/function; This variant is associated with the following publications: (PMID: 28652578, 28481359, 22071889, 29642553, 30287823, 30093976, 31422574, 33176972, 32980694, 36746516, 36243179, 35534704)

Ambry Genetics
Classification: Uncertain significance for Hereditary cancer-predisposing syndrome. Last evaluated: 2024-07-04. Review status: criteria provided, single submitter. Criteria: Ambry Variant Classification Scheme 2023. Collection method: clinical testing. Allele origin: germline.
Comment: The p.R1730Q variant (also known as c.5189G>A), located in coding exon 34 of the ATM gene, results from a G to A substitution at nucleotide position 5189. The arginine at codon 1730 is replaced by glutamine, an amino acid with highly similar properties. This alteration has been reported in an individual diagnosed with ovarian and endometrial cancer (Chan GHJ et al. Oncotarget, 2018 Jul;9:30649-30660). This variant was also observed in 1/3251 individuals who met eligibility criteria for hereditary breast and ovarian cancer syndrome (Lerner-Ellis J et al. J Cancer Res Clin Oncol, 2021 Mar;147:871-879). This amino acid position is highly conserved in available vertebrate species. In addition, the in silico prediction for this alteration is inconclusive. Based on the available evidence, the clinical significance of this variant remains unclear.

Blueprint Genetics
Classification: Uncertain significance. Last evaluated: 2024-04-24. Review status: criteria provided, single submitter. Criteria: ACMG Guidelines, 2015. Collection method: clinical testing. Allele origin: germline.

Baylor Genetics
Classification: Uncertain significance for Familial cancer of breast. Last evaluated: 2024-01-30. Review status: criteria provided, single submitter. Criteria: ACMG Guidelines, 2015. Collection method: clinical testing. Allele origin: unknown.

Women's Health and Genetics/Laboratory Corporation of America, LabCorp
Classification: Uncertain significance. Last evaluated: 2022-11-14. Review status: criteria provided, single submitter. Criteria: LabCorp Variant Classification Summary - May 2015. Collection method: clinical testing. Allele origin: germline.
Comment: Variant summary: ATM c.5189G>A (p.Arg1730Gln) results in a conservative amino acid change in the encoded protein sequence. Three of five in-silico tools predict a damaging effect of the variant on protein function. The variant allele was found at a frequency of 1.6e-05 in 251120 control chromosomes (gnomAD). In addition, the variant was also reported in 13 heterozygotes from about 38,000 healthy Japanese individuals (in the jMorp database, PMID: 33179747). The available data on variant occurrences in the general population are insufficient to allow any conclusion about variant significance. c.5189G>A has been reported in the literature in individuals affected with different types of cancers, including breast and/or ovarian cancer (Tiao_2017, Jiang_2018, Chan_2018, Momozawa_2018, Neeb_2021), however it was also found in controls (Momozawa_2018) and in non-cancer related cohorts (e.g. Kraemer_2019). Furthermore, the variant was reported in 1/7325 European American women, who are older than age 70 years, and who have never had cancer (in the FLOSSIES database). These reports do not provide unequivocal conclusions about association of the variant with Breast Cancer. To our knowledge, no experimental evidence demonstrating an impact on protein function has been reported. Nine other clinical diagnostic laboratories have submitted clinical-significance assessments for this variant to ClinVar after 2014, and all of them classified the variant as uncertain significance. Based on the evidence outlined above, the variant was classified as uncertain significance.

Athena Diagnostics
Classification: Uncertain significance. Last evaluated: 2021-10-18. Review status: criteria provided, single submitter. Criteria: Athena Diagnostics Criteria. Collection method: clinical testing. Allele origin: unknown.

Fulgent Genetics
Classification: Uncertain significance for Familial cancer of breast; Ataxia-telangiectasia syndrome. Last evaluated: 2021-10-04. Review status: criteria provided, single submitter. Criteria: ACMG Guidelines, 2015. Collection method: clinical testing. Allele origin: unknown.

Sema4
Classification: Uncertain significance for Hereditary cancer-predisposing syndrome. Last evaluated: 2021-08-25. Review status: criteria provided, single submitter. Criteria: Sema4 Curation Guidelines. Collection method: curation. Allele origin: germline.
Comment: The ATM c.5189G>A (p.R1730Q) variant has been reported in heterozygosity in several individuals with ovarian, endometrial, and/or breast cancer, as well as chronic lymphocytic leukemia (PMID: 30093976, 28652578, 30287823, 32980694). It has also been reported in healthy individuals (PMID: 30287823, 32980694). This variant was observed in 5/128866 chromosomes in the European (non-Finnish) population, according to the Genome Aggregation Database (PMID: 32461654). This variant has been reported in ClinVar (Variation ID 127402). Functional studies have not been performed, and in silico predictions of the variant's effect on protein function are inconclusive. The overall evidence is insufficient to meet ACMG/AMP criteria for classifying it as benign or pathogenic. In summary, the clinical significance of this variant is currently uncertain.